The following is an entry in ClinVar:

NM_001876.4(CPT1A):c.1575+8C>T

Gene: CPT1A (carnitine palmitoyltransferase 1A; minus strand). Cytogenetic location: 11q13.3.
Variant type: single nucleotide variant.
Coding change: c.1575+8C>T on transcript NM_001876.4 (MANE Select); 8 bases into the intron after coding-DNA position 1575, C replaced by T.
Molecular consequence: intron variant.
Genome position (GRCh38, 1-based): chr11:68,775,308, G>A on the plus strand (C>T on the coding strand, the complement: CPT1A is on the minus strand). VCF-style: chr11-68775308-G-A. GRCh37 (hg19) VCF-style: chr11-68542776-G-A.
Other names: c.1575+8C>T (NM_001031847.3).
Identifiers: ClinVar variation 506868 (VCV000506868.14), dbSNP rs372364901, ClinGen allele CA6152270.

ClinVar aggregate classification (germline): Benign/Likely benign. Review status: criteria provided, multiple submitters, no conflicts (2 of 4 stars). 3 submissions from 3 submitters: Benign (1); Likely benign (1). 1 of the submissions does not count toward it. Last evaluated 2026-01-24.

Conditions:
Carnitine palmitoyl transferase 1A deficiency. Also called: Carnitine palmitoyltransferase 1A deficiency; CPT I DEFICIENCY; CPT DEFICIENCY, HEPATIC, TYPE I; Carnitine palmitoyltransferase type I deficiency; CPT deficiency, hepatic, type IA. Identifiers: Orphanet 156, MedGen C1829703, MONDO:0009705, OMIM 255120.
CPT1A-related disorder. Also called: CPT1A-related condition.

Allele frequency attached by ClinVar (database versions not stated): gnomAD 0.00002 and 0.00027; ESP Exome Variant Server 0.00008; TOPMed 0.00009; gnomAD exomes 0.00054 and 0.00102; ExAC 0.00106; 1000 Genomes Project 30x 0.00265; 1000 Genomes Project 0.00300.
gnomAD v4.1: 827 of 1,602,176 alleles (0.052%); highest among the groups gnomAD compares: South Asian, 0.84%; 7 homozygotes.

Submissions (3):

Labcorp Genetics (formerly Invitae), Labcorp
Classification: Benign for Carnitine palmitoyl transferase 1A deficiency. Last evaluated: 2026-01-24. Review status: criteria provided, single submitter. Criteria: Invitae Variant Classification Sherloc (09022015). Collection method: clinical testing. Allele origin: germline.

GeneDx
Classification: Likely benign. Last evaluated: 2017-09-21. Review status: criteria provided, single submitter. Criteria: GeneDx Variant Classification (06012015). Collection method: clinical testing. Allele origin: germline. Affected: yes.
Comment: This variant is considered likely benign or benign based on one or more of the following criteria: it is a conservative change, it occurs at a poorly conserved position in the protein, it is predicted to be benign by multiple in silico algorithms, and/or has population frequency not consistent with disease.

PreventionGenetics, part of Exact Sciences
Classification: Benign for CPT1A-related condition. Last evaluated: 2019-11-14. Review status: no assertion criteria provided. Collection method: clinical testing. Allele origin: germline. Not counted in ClinVar's aggregate classification.
Comment: This variant is classified as benign based on ACMG/AMP sequence variant interpretation guidelines (Richards et al. 2015 PMID: 25741868, with internal and published modifications).